The following is an entry in ClinVar:

ClinVar aggregate classification (germline): Likely benign (1 of 4 stars; one submission).

gnomAD v4.1: 471 of 1,614,156 alleles (0.029%); highest among the groups gnomAD compares: Non-Finnish European, 0.037%; no homozygotes.

Submission:

CeGaT Center for Human Genetics Tuebingen
Classification: Likely benign. Last evaluated: 2025-08-01. Review status: criteria provided, single submitter. Criteria: CeGaT Center For Human Genetics Tuebingen Variant Classification Criteria Version 2. Collection method: clinical testing. Allele origin: germline. Affected: yes. Observed: 1 variant allele.
Comment: OGDHL: BP4, BP7

NM_018245.3(OGDHL):c.2514G>A (p.Lys838=)

Gene: OGDHL (oxoglutarate dehydrogenase L; minus strand). Cytogenetic location: 10q11.23.
Variant type: single nucleotide variant.
Coding change: c.2514G>A on transcript NM_018245.3 (MANE Select); coding-DNA position 2514, G replaced by A.
Protein change: p.Lys838=; no amino-acid change (lysine 838 retained).
Molecular consequence: synonymous variant. On other transcripts: non-coding transcript variant (5).
Genome position (GRCh38, 1-based): chr10:49,737,950, C>T on the plus strand (G>A on the coding strand, the complement: OGDHL is on the minus strand). VCF-style: chr10-49737950-C-T. GRCh37 (hg19) VCF-style: chr10-50945996-C-T.
Other names: c.2343G>A, p.Lys781= (NM_001143996.2, NM_001347820.1); c.1887G>A, p.Lys629= (NM_001143997.2, NM_001347821.2, NM_001347822.1); c.2514G>A, p.Lys838= (NM_001347819.1); c.2334G>A, p.Lys778= (NM_001347823.1, NM_001347824.2); c.1707G>A, p.Lys569= (NM_001347825.2); c.1317G>A, p.Lys439= (NM_001347826.1).
Identifiers: ClinVar variation 4083693 (VCV004083693.8).